The following is an entry in ClinVar:

NM_007194.4(CHEK2):c.1123T>A (p.Leu375Met)

Gene: CHEK2 (checkpoint kinase 2; minus strand). Cytogenetic location: 22q12.1.
Variant type: single nucleotide variant.
Coding change: c.1123T>A on transcript NM_007194.4 (MANE Select); coding-DNA position 1123, T replaced by A.
Protein change: p.Leu375Met; replaces leucine 375 with methionine.
Molecular consequence: missense variant.
Genome position (GRCh38, 1-based): chr22:28,695,846, A>T on the plus strand (T>A on the coding strand, the complement: CHEK2 is on the minus strand). VCF-style: chr22-28695846-A-T. GRCh37 (hg19) VCF-style: chr22-29091834-A-T.
Other names: c.1252T>A, p.Leu418Met (NM_001005735.3); c.460T>A, p.Leu154Met (NM_001257387.3); c.922T>A, p.Leu308Met (NM_001349956.3); c.1036T>A, p.Leu346Met (NM_145862.3); short protein forms L154M, L308M, L375M, L346M, L418M.
Identifiers: ClinVar variation 2452081 (VCV002452081.2), dbSNP rs2052563996, ClinGen allele CA411097062.
Genomic context (GRCh38, chr22:28,695,846, plus strand): 5'-CTTCAGGCGCCAAGTAGGTGGGGGTTCCACATAAGGTTCTCATGAGAGAGGTCTCTCCCA[A>T]AATCTTGGAGTGCCCAAAATCAGTAATCTAAAATTCAGTACAAAAGGGAATAATGTTGAA-3'
Protein context (NP_009125.1, residues 365-385): KITDFGHSKI[Leu375Met]GETSLMRTLC

ClinVar aggregate classification (germline): Uncertain significance (1 of 4 stars; one submission).

Conditions:
Hereditary cancer-predisposing syndrome. Also called: Neoplastic Syndromes, Hereditary; Tumor predisposition; Hereditary neoplastic syndrome; Hereditary Cancer Syndrome. Identifiers: Orphanet 140162, MedGen C0027672, MeSH D009386, MONDO:0015356.

Submission:

Ambry Genetics
Classification: Uncertain significance for Hereditary cancer-predisposing syndrome. Last evaluated: 2023-01-31. Review status: criteria provided, single submitter. Criteria: Ambry Variant Classification Scheme 2023. Collection method: clinical testing. Allele origin: germline.
Comment: The p.L375M variant (also known as c.1123T>A), located in coding exon 10 of the CHEK2 gene, results from a T to A substitution at nucleotide position 1123. The leucine at codon 375 is replaced by methionine, an amino acid with highly similar properties. This amino acid position is conserved. In addition, the in silico prediction for this alteration is inconclusive. Since supporting evidence is limited at this time, the clinical significance of this alteration remains unclear.